The following is an entry in ClinVar:

ClinVar aggregate classification (germline): Likely benign. Review status: criteria provided, multiple submitters, no conflicts (2 of 4 stars). 2 submissions from 2 submitters: Likely benign (2). Last evaluated 2026-02-23.

Conditions:
SEMA3E-related disorder. Also called: SEMA3E-related condition.
CHARGE syndrome (CHARGE). Also called: Hittner Hirsch Kreh syndrome; CHARGE ASSOCIATION--COLOBOMA, HEART ANOMALY, CHOANAL ATRESIA, RETARDATION, GENITAL AND EAR ANOMALIES; Coloboma, heart anomaly, choanal atresia, retardation, genital and ear anomalies; CHARGE association; Hall-Hittner syndrome. Identifiers: Orphanet 138, MedGen C0265354, MONDO:0008965.

gnomAD v4.1: 15 of 1,613,160 alleles (0.00093%); highest among the groups gnomAD compares: East Asian, 0.0089%; no homozygotes.

Submissions (2):

PreventionGenetics, part of Exact Sciences
Classification: Likely benign for SEMA3E-related condition. Last evaluated: 2026-02-23. Review status: criteria provided, single submitter. Criteria: ACMG Guidelines, 2015. Collection method: clinical testing. Allele origin: germline.
Comment: This variant is classified as likely benign based on ACMG/AMP sequence variant interpretation guidelines (Richards et al. 2015 PMID: 25741868, with internal and published modifications).

Labcorp Genetics (formerly Invitae), Labcorp
Classification: Likely benign for CHARGE syndrome. Last evaluated: 2024-10-28. Review status: criteria provided, single submitter. Criteria: Invitae Variant Classification Sherloc (09022015). Collection method: clinical testing. Allele origin: germline.

NM_012431.3(SEMA3E):c.551-7C>T

Gene: SEMA3E (semaphorin 3E; minus strand). Cytogenetic location: 7q21.11.
Variant type: single nucleotide variant.
Coding change: c.551-7C>T on transcript NM_012431.3 (MANE Select); 7 bases into the intron before coding-DNA position 551, C replaced by T.
Molecular consequence: intron variant.
Genome position (GRCh38, 1-based): chr7:83,408,494, G>A on the plus strand (C>T on the coding strand, the complement: SEMA3E is on the minus strand). VCF-style: chr7-83408494-G-A. GRCh37 (hg19) VCF-style: chr7-83037810-G-A.
Other names: c.371-7C>T (NM_001178129.2); c.551-7C>T (NM_012431.2).
Identifiers: ClinVar variation 3718906 (VCV003718906.3).